The following is an entry in ClinVar:

ClinVar aggregate classification (germline): Pathogenic (1 of 4 stars; one submission).

Conditions:
Niemann-Pick disease, type A. Also called: SPHINGOMYELIN LIPIDOSIS; SPHINGOMYELINASE DEFICIENCY; Infantile Neurovisceral ASMD (Niemann-Pick Disease Type A; NPD-A). Identifiers: Orphanet 77292, MedGen C0268242, MONDO:0009756, OMIM 257200. Disease mechanism: loss of function.
Niemann-Pick disease, type B. Also called: Chronic Visceral ASMD (Niemann-Pick Disease Type B; NPD-B). Identifiers: Orphanet 77293, MedGen C0268243, MONDO:0011871, OMIM 607616. Disease mechanism: loss of function.

Submission:

Labcorp Genetics (formerly Invitae), Labcorp
Classification: Pathogenic for Niemann-Pick disease, type B; Niemann-Pick disease, type A. Last evaluated: 2021-12-27. Review status: criteria provided, single submitter. Criteria: Invitae Variant Classification Sherloc (09022015). Collection method: clinical testing. Allele origin: germline.
Comment: For these reasons, this variant has been classified as Pathogenic. This variant has not been reported in the literature in individuals affected with SMPD1-related conditions. This variant results in the deletion of exon 1 and part of exon 2 (c.-7485_722del) of the SMPD1 gene. It is expected to result in an absent or disrupted protein product. Loss-of-function variants in SMPD1 are known to be pathogenic (PMID: 12369017, 15221801).

Literature cited by the submitters: PubMed 12369017; PubMed 15221801.

NC_000011.9:g.(?_6404342)_(6413015_?)del

Gene: SMPD1 (sphingomyelin phosphodiesterase 1; plus strand). Cytogenetic location: 11p15.4.
Variant type: Deletion.
Identifiers: ClinVar variation 2423273 (VCV002423273.5).